The following is an entry in ClinVar:

NM_001005242.3(PKP2):c.122C>G (p.Ala41Gly)

Gene: PKP2 (plakophilin 2; minus strand). Cytogenetic location: 12p11.21.
Variant type: single nucleotide variant.
Coding change: c.122C>G on transcript NM_001005242.3 (MANE Select); coding-DNA position 122, C replaced by G.
Protein change: p.Ala41Gly; replaces alanine 41 with glycine.
Molecular consequence: missense variant. On other transcripts: 5 prime UTR variant (4).
Genome position (GRCh38, 1-based): chr12:32,896,610, G>C on the plus strand (C>G on the coding strand, the complement: PKP2 is on the minus strand). VCF-style: chr12-32896610-G-C. GRCh37 (hg19) VCF-style: chr12-33049544-G-C.
Other names: c.122C>G, p.Ala41Gly (NM_001407155.1, NM_001407156.1, NM_001407157.1 and 2 more transcripts); c.-705C>G (NM_001407158.1, NM_001407162.1); c.-469C>G (NM_001407159.1, NM_001407160.1); short protein forms A41G.
Identifiers: ClinVar variation 3387504 (VCV003387504.1).

ClinVar aggregate classification (germline): Uncertain significance (1 of 4 stars; one submission).

Conditions:
Arrhythmogenic right ventricular cardiomyopathy (ARVD). Also called: Arrhythmogenic right ventricular dysplasia; Cardiomyopathy, ARVC; Arrhythmogenic cardiomyopathy; Arrhythmogenic Right Ventricular Cardiomyopathy (ARVC). Identifiers: Orphanet 247, MedGen C0349788, MeSH D019571, MONDO:0016587. Disease mechanism: loss of function. Inheritance: Various modes of inheritance.

gnomAD v4.1: 1 of 1,583,940 alleles (0.000063%); highest among the groups gnomAD compares: Non-Finnish European, 0.000085%; no homozygotes.

Submission:

All of Us Research Program, National Institutes of Health
Classification: Uncertain significance for Arrhythmogenic right ventricular cardiomyopathy. Last evaluated: 2024-07-29. Review status: criteria provided, single submitter. Criteria: ACMG Guidelines, 2015. Collection method: clinical testing. Allele origin: germline. Inheritance: Autosomal dominant inheritance. Observed: 1 variant allele, 1 heterozygote.
Comment: This missense variant replaces alanine with glycine at codon 41 of the PKP2 protein. Computational prediction suggests that this variant may not impact protein structure and function (internally defined REVEL score threshold <= 0.5, PMID: 27666373). To our knowledge, functional studies have not been reported for this variant. This variant has been reported in an individual affected with dilated cardiomyopathy (PMID: 31983221) and in another individual with possible arrhythmogenic cardiomyopathy (PMID: 33652588). This variant has been identified in 1/31346 chromosomes in the general population by the Genome Aggregation Database (gnomAD). The available evidence is insufficient to determine the role of this variant in disease conclusively. Therefore, this variant is classified as a Variant of Uncertain Significance.

This study involves interpretation of variants in research participants for the purpose of population health screening. Participant phenotype was not available at the time of variant classification. Additional details can be found in publication PMID: 35346344, PMCID: PMC8962531

Literature cited by the submitters: PubMed 31983221; PubMed 33652588.